The following is an entry in ClinVar:

NM_033124.5(DRC2):c.301-2A>C

Gene: DRC2 (dynein regulatory complex subunit 2; plus strand). Cytogenetic location: 12q13.12.
Variant type: single nucleotide variant.
Coding change: c.301-2A>C on transcript NM_033124.5 (MANE Select); the canonical splice acceptor site of the intron before coding-DNA position 301, A replaced by C.
Molecular consequence: splice acceptor variant.
Genome position (GRCh38, 1-based): chr12:48,914,402, A>C. VCF-style: chr12-48914402-A-C. GRCh37 (hg19) VCF-style: chr12-49308185-A-C.
Other names: c.-129-2A>C (NM_001286957.2).
Identifiers: ClinVar variation 2053470 (VCV002053470.4), dbSNP rs1434632385, ClinGen allele CA384625271.

ClinVar aggregate classification (germline): Likely pathogenic (1 of 4 stars; one submission).

Conditions:
Primary ciliary dyskinesia 27. Also called: CILIARY DYSKINESIA, PRIMARY, 27, WITHOUT SITUS INVERSUS. Identifiers: Orphanet 244, MedGen C3809701, MONDO:0014215, OMIM 615504.

Allele frequency attached by ClinVar (database versions not stated): TOPMed below 0.00001; gnomAD 0.00001.
gnomAD v4.1: 4 of 1,598,438 alleles (0.00025%); highest among the groups gnomAD compares: African/African-American, 0.004%; no homozygotes.

Submission:

Labcorp Genetics (formerly Invitae), Labcorp
Classification: Likely pathogenic for Primary ciliary dyskinesia 27. Last evaluated: 2024-11-22. Review status: criteria provided, single submitter. Criteria: Invitae Variant Classification Sherloc (09022015). Collection method: clinical testing. Allele origin: germline.
Comment: This sequence change affects an acceptor splice site in intron 2 of the CCDC65 gene. It is expected to disrupt RNA splicing. Variants that disrupt the donor or acceptor splice site typically lead to a loss of protein function (PMID: 16199547), and loss-of-function variants in CCDC65 are known to be pathogenic (PMID: 23991085, 24094744). This variant is present in population databases (no rsID available, gnomAD 0.01%). This variant has not been reported in the literature in individuals affected with CCDC65-related conditions. ClinVar contains an entry for this variant (Variation ID: 2053470). Algorithms developed to predict the effect of sequence changes on RNA splicing suggest that this variant may disrupt the consensus splice site. In summary, the currently available evidence indicates that the variant is pathogenic, but additional data are needed to prove that conclusively. Therefore, this variant has been classified as Likely Pathogenic.

Literature cited by the submitters: PubMed 16199547; PubMed 23991085; PubMed 24094744.